The following is an entry in ClinVar:

NM_001972.4(ELANE):c.272G>C (p.Arg91Pro)

Gene: ELANE (elastase, neutrophil expressed; plus strand). Cytogenetic location: 19p13.3.
Variant type: single nucleotide variant.
Coding change: c.272G>C on transcript NM_001972.4 (MANE Select); coding-DNA position 272, G replaced by C.
Protein change: p.Arg91Pro; replaces arginine 91 with proline.
Molecular consequence: missense variant.
Genome position (GRCh38, 1-based): chr19:853,309, G>C. VCF-style: chr19-853309-G-C. GRCh37 (hg19) VCF-style: chr19-853309-G-C.
Other names: short protein forms R91P.
Identifiers: ClinVar variation 1054763 (VCV001054763.49), dbSNP rs1201600992, ClinGen allele CA402915941.
Genomic context (GRCh38, chr19:853,309, plus strand): 5'-CCCTCCCCGGCAGAAACGTCCGCGCGGTGCGGGTGGTCCTGGGAGCCCATAACCTCTCGC[G>C]GCGGGAGCCCACCCGGCAGGTGTTCGCCGTGCAGCGCATCTTCGAAAACGGCTACGACCC-3'
Protein context (NP_001963.1, residues 81-101): RVVLGAHNLS[Arg91Pro]REPTRQVFAV

ClinVar aggregate classification (germline): Uncertain significance (1 of 4 stars; one submission).

Conditions:
Cyclical neutropenia. Also called: Cyclic Neutropenia; Cyclic hematopoiesis. Identifiers: Orphanet 2686, MedGen C0221023, MONDO:0008090, OMIM 162800, HP:0040289. Disease mechanism: loss of function.
Neutropenia, severe congenital, 1, autosomal dominant. Identifiers: MedGen C1859966, MONDO:0042490, OMIM 202700.

gnomAD v4.1: 1 of 1,610,906 alleles (0.000062%); highest among the groups gnomAD compares: Non-Finnish European, 0.000085%; no homozygotes.

Submission:

Labcorp Genetics (formerly Invitae), Labcorp
Classification: Uncertain significance for Neutropenia, severe congenital, 1, autosomal dominant; Cyclical neutropenia. Last evaluated: 2022-09-26. Review status: criteria provided, single submitter. Criteria: Invitae Variant Classification Sherloc (09022015). Collection method: clinical testing. Allele origin: germline.
Comment: This sequence change replaces arginine, which is basic and polar, with proline, which is neutral and non-polar, at codon 91 of the ELANE protein (p.Arg91Pro). In summary, the available evidence is currently insufficient to determine the role of this variant in disease. Therefore, it has been classified as a Variant of Uncertain Significance. Advanced modeling of protein sequence and biophysical properties (such as structural, functional, and spatial information, amino acid conservation, physicochemical variation, residue mobility, and thermodynamic stability) performed at Invitae indicates that this missense variant is not expected to disrupt ELANE protein function. ClinVar contains an entry for this variant (Variation ID: 1054763). This variant has not been reported in the literature in individuals affected with ELANE-related conditions. This variant is not present in population databases (gnomAD no frequency).